The following is an entry in ClinVar:

ClinVar aggregate classification (germline): Uncertain significance (1 of 4 stars; one submission).

Submission:

Dasa
Classification: Uncertain significance. Last evaluated: 2025-07-18. Review status: criteria provided, single submitter. Criteria: DASA Assertion Criteria. Collection method: clinical testing. Allele origin: germline.
Comment: NM_001174150.2(ARL13B):c.486+10T>G is a splice-region variant. This variant has been observed in affected individuals with ARL13B-related disorders. Also, this variant is absent from population databases. Computational prediction algorithms are consistent with a deleterious effect. The currently available literature and clinical evidence are not sufficient to establish a definitive association between this variant and the reported condition. Therefore, this variant is classified as a variant of uncertain significance.

NM_001174150.2(ARL13B):c.486+10T>G

Gene: ARL13B (ARF like GTPase 13B; plus strand). Cytogenetic location: 3q11.2.
Variant type: single nucleotide variant.
Coding change: c.486+10T>G on transcript NM_001174150.2 (MANE Select); 10 bases into the intron after coding-DNA position 486, T replaced by G.
Molecular consequence: intron variant.
Genome position (GRCh38, 1-based): chr3:94,035,446, T>G. VCF-style: chr3-94035446-T-G. GRCh37 (hg19) VCF-style: chr3-93754290-T-G.
Other names: c.441+10T>G (NM_001321328.2); c.486+10T>G (NM_182896.3, NM_001410782.1); c.177+10T>G (NM_001174151.2); c.165+10T>G (NM_144996.4, NM_001437443.1).
Identifiers: ClinVar variation 4882219 (VCV004882219.2).